The following is an entry in ClinVar:

NM_001283009.2(RTEL1):c.2528A>G (p.Gln843Arg)

Genes: RTEL1 (regulator of telomere elongation helicase 1; plus strand), RTEL1-TNFRSF6B (RTEL1-TNFRSF6B readthrough (NMD candidate); plus strand). Cytogenetic location: 20q13.33.
Variant type: single nucleotide variant.
Coding change: c.2528A>G on transcript NM_001283009.2 (MANE Select); coding-DNA position 2528, A replaced by G.
Protein change: p.Gln843Arg; replaces glutamine 843 with arginine.
Molecular consequence: missense variant. On other transcripts: non-coding transcript variant (1).
Genome position (GRCh38, 1-based): chr20:63,690,919, A>G. VCF-style: chr20-63690919-A-G. GRCh37 (hg19) VCF-style: chr20-62322272-A-G.
Other names: c.2600A>G (NM_032957.4); c.1859A>G, p.Gln620Arg (NM_001283010.1); c.2528A>G, p.Gln843Arg (NM_016434.4); c.2600A>G, p.Gln867Arg (NM_032957.5); short protein forms Q867R, Q620R, Q843R.
Identifiers: ClinVar variation 1431105 (VCV001431105.6), dbSNP rs2090724190, ClinGen allele CA409681769.

ClinVar aggregate classification (germline): Uncertain significance. Review status: criteria provided, multiple submitters, no conflicts (2 of 4 stars). 2 submissions from 2 submitters: Uncertain significance (2). Last evaluated 2025-11-23.

Conditions:
Inborn genetic diseases. Identifiers: MedGen C0950123, MeSH D030342.
Pulmonary fibrosis and/or bone marrow failure, Telomere-related, 3. Also called: PULMONARY FIBROSIS AND/OR BONE MARROW FAILURE SYNDROME, TELOMERE-RELATED, 3. Identifiers: Orphanet 2032, MedGen C4225346, MONDO:0014613, OMIM 616373.
Dyskeratosis congenita, autosomal recessive 5 (DKCB5). Identifiers: MedGen C3554656, MONDO:0014076, OMIM 615190.

Allele frequency attached by ClinVar (database versions not stated): TOPMed below 0.00001.

Submissions (2):

Labcorp Genetics (formerly Invitae), Labcorp
Classification: Uncertain significance for Dyskeratosis congenita, autosomal recessive 5; Pulmonary fibrosis and/or bone marrow failure, Telomere-related, 3. Last evaluated: 2025-11-23. Review status: criteria provided, single submitter. Criteria: Invitae Variant Classification Sherloc (09022015). Collection method: clinical testing. Allele origin: germline.
Comment: This sequence change replaces glutamine, which is neutral and polar, with arginine, which is basic and polar, at codon 843 of the RTEL1 protein (p.Gln843Arg). This variant is not present in population databases (gnomAD no frequency). This variant has not been reported in the literature in individuals affected with RTEL1-related conditions. ClinVar contains an entry for this variant (Variation ID: 1431105). An algorithm developed to predict the effect of missense changes on protein structure and function (PolyPhen-2) suggests that this variant is likely to be tolerated. In summary, the available evidence is currently insufficient to determine the role of this variant in disease. Therefore, it has been classified as a Variant of Uncertain Significance.

Ambry Genetics
Classification: Uncertain significance for Inborn genetic diseases. Last evaluated: 2023-06-29. Review status: criteria provided, single submitter. Criteria: Ambry Variant Classification Scheme 2023. Collection method: clinical testing. Allele origin: germline.